The following is an entry in ClinVar:

ClinVar aggregate classification (germline): Likely benign (1 of 4 stars; one submission).

Conditions:
Kabuki syndrome 1 (KABUK1). Also called: KMT2D-Related Kabuki Syndrome. Identifiers: Orphanet 2322, MedGen CN030661, MONDO:0007843, OMIM 147920.

Allele frequency attached by ClinVar (database versions not stated): gnomAD exomes below 0.00001; TOPMed below 0.00001.
gnomAD v4.1: 2 of 1,557,102 alleles (0.00013%); highest among the groups gnomAD compares: Non-Finnish European, 0.000087%; no homozygotes.

Submission:

Victorian Clinical Genetics Services, Murdoch Childrens Research Institute
Classification: Likely benign for Kabuki syndrome 1. Last evaluated: 2022-02-02. Review status: criteria provided, single submitter. Criteria: ACMG Guidelines, 2015. Collection method: clinical testing. Allele origin: germline. Inheritance: Autosomal dominant inheritance. Affected: yes.
Comment: Based on the classification scheme VCGS_Germline_v1.3.4, this variant is classified as likely benign. Following criteria are met: 0102 - Loss of function is a known mechanism of disease in this gene and is associated with Kabuki syndrome 1 (MIM#147920). (I) 0107 - This gene is associated with autosomal dominant disease. (I) 0200 - Variant is predicted to result in a missense amino acid change from proline to leucine. (I) 0251 - This variant is heterozygous. (I) 0301 - Variant is absent from gnomAD (both v2 and v3). (SP) 0309 - An alternative amino acid change at the same position, p.(Pro4932Ala), has been observed in gnomAD (v2) (1 heterozygote, 0 homozygotes). (I) 0502 - Missense variant with conflicting in silico predictions and uninformative conservation. (I) 0604 - Variant is not located in an established domain, motif, hotspot or informative constraint region. (I) 0705 - No comparable missense variants have previous evidence for pathogenicity. (I) 0807 - This variant has no previous evidence of pathogenicity. (I) 0904 - Non-segregation of this variant with the phenotype under investigation has been clearly demonstrated. (SB) 1007 - No published functional evidence has been identified for this variant. (I) 1208 - Inheritance information for this variant is not currently available in this individual. (I) Legend: (SP) - Supporting pathogenic, (I) - Information, (SB) - Supporting benign

NM_003482.4(KMT2D):c.14795C>T (p.Pro4932Leu)

Gene: KMT2D (lysine methyltransferase 2D; minus strand). Cytogenetic location: 12q13.12.
Variant type: single nucleotide variant.
Coding change: c.14795C>T on transcript NM_003482.4 (MANE Select); coding-DNA position 14795, C replaced by T.
Protein change: p.Pro4932Leu; replaces proline 4932 with leucine.
Molecular consequence: missense variant.
Genome position (GRCh38, 1-based): chr12:49,027,171, G>A on the plus strand (C>T on the coding strand, the complement: KMT2D is on the minus strand). VCF-style: chr12-49027171-G-A. GRCh37 (hg19) VCF-style: chr12-49420954-G-A.
Other names: short protein forms P4932L.
Identifiers: ClinVar variation 1804953 (VCV001804953.1), dbSNP rs1592106744, ClinGen allele CA384691707.